The following is an entry in ClinVar:

NM_007294.4(BRCA1):c.5552A>C (p.Asp1851Ala)

Gene: BRCA1 (BRCA1 DNA repair associated; minus strand). Cytogenetic location: 17q21.31.
Variant type: single nucleotide variant.
Coding change: c.5552A>C on transcript NM_007294.4 (MANE Select); coding-DNA position 5552, A replaced by C.
Protein change: p.Asp1851Ala; replaces aspartic acid 1851 with alanine.
Molecular consequence: missense variant. On other transcripts: 3 prime UTR variant (1), non-coding transcript variant (1).
Genome position (GRCh38, 1-based): chr17:43,045,718, T>G on the plus strand (A>C on the coding strand, the complement: BRCA1 is on the minus strand). VCF-style: chr17-43045718-T-G. GRCh37 (hg19) VCF-style: chr17-41197735-T-G.
Other names: c.5339A>C, p.Asp1780Ala (NM_001407571.1, NM_001407894.1, NM_001407895.1 and 12 more transcripts); c.5618A>C, p.Asp1873Ala (NM_001407581.1, NM_001407582.1); c.5615A>C, p.Asp1872Ala (NM_001407583.1, NM_001407585.1, NM_001407587.1 and 1 more transcripts); c.5612A>C, p.Asp1871Ala (NM_001407590.1, NM_001407591.1); c.5552A>C, p.Asp1851Ala (NM_001407593.1, NM_001407594.1, NM_001407596.1 and 5 more transcripts); c.5549A>C, p.Asp1850Ala (NM_001407610.1, NM_001407611.1, NM_001407612.1 and 14 more transcripts); c.5546A>C, p.Asp1849Ala (NM_001407627.1, NM_001407628.1, NM_001407629.1 and 13 more transcripts); c.5543A>C, p.Asp1848Ala (NM_001407645.1, NM_001407644.1); and 74 more; short protein forms D1804A, D1872A, D1851A, D747A, D1554A, D1682A, D1722A, D1723A.
Identifiers: ClinVar variation 868658 (VCV000868658.3), dbSNP rs2050862656, ClinGen allele CA10590217.

Conditions:
Breast-ovarian cancer, familial, susceptibility to, 1 (BROVCA1). Also called: BRCA1 Hereditary Breast and Ovarian Cancer; OVARIAN CANCER, SUSCEPTIBILITY TO. Identifiers: Orphanet 145, MedGen C2676676, MONDO:0011450, OMIM 604370. Disease mechanism: loss of function.

Submission:

Brotman Baty Institute, University of Washington
No classification provided (evidence only). Condition: Breast-ovarian cancer, familial 1. Review status: no classification provided. Collection method: in vitro. Allele origin: not applicable. Functional consequence: functionally_normal.
ClinVar note: "not provided" was previously submitted as the classification for the variant. However, the classification appeared to be based only on an observation of functional data so it was converted to no classification on 2025-07-30.